The following is an entry in ClinVar:

ClinVar aggregate classification (germline): Uncertain significance. Review status: criteria provided, multiple submitters, no conflicts (2 of 4 stars). 3 submissions from 3 submitters: Uncertain significance (3). Last evaluated 2025-11-17.

Conditions:
CD36-related disorder. Also called: CD36-related disorders; CD36-related condition.
Platelet-type bleeding disorder 10. Also called: CD36 DEFICIENCY. Identifiers: MedGen C1842090, MONDO:0012031, OMIM 608404.

Allele frequency attached by ClinVar (database versions not stated): gnomAD exomes 0.00008; TOPMed 0.00010.
gnomAD v4.1: 136 of 1,613,146 alleles (0.0084%); highest among the groups gnomAD compares: Middle Eastern, 0.066%; no homozygotes.

Submissions (3):

PreventionGenetics, part of Exact Sciences
Classification: Uncertain significance for CD36-related condition. Last evaluated: 2025-11-17. Review status: criteria provided, single submitter. Criteria: ACMG Guidelines, 2015. Collection method: clinical testing. Allele origin: germline.
Comment: The CD36 c.872A>G variant is predicted to result in the amino acid substitution p.Tyr291Cys. This variant was reported in an individual with CD36 deficiency (Flesch et al. 2021. PubMed ID: 33822386). This variant is reported in 0.087% of alleles in individuals of Ashkenazi Jewish descent in gnomAD. At this time, the clinical significance of this variant is uncertain due to the absence of conclusive functional and genetic evidence.

Illumina Laboratory Services, Illumina
Classification: Uncertain significance for Platelet-type bleeding disorder 10. Last evaluated: 2017-04-27. Review status: criteria provided, single submitter. Criteria: ICSL Variant Classification Criteria 13 December 2019. Collection method: clinical testing. Allele origin: germline.

Breakthrough Genomics
Classification: Uncertain significance. Review status: criteria provided, single submitter. Criteria: ACMG Guidelines, 2015. Collection method: not provided. Allele origin: germline. Inheritance: Autosomal recessive inheritance. Affected: yes.

NM_001001548.3(CD36):c.872A>G (p.Tyr291Cys)

Gene: CD36 (CD36 molecule (CD36 blood group); plus strand). Cytogenetic location: 7q21.11.
Variant type: single nucleotide variant.
Coding change: c.872A>G on transcript NM_001001548.3 (MANE Select); coding-DNA position 872, A replaced by G.
Protein change: p.Tyr291Cys; replaces tyrosine 291 with cysteine.
Molecular consequence: missense variant.
Genome position (GRCh38, 1-based): chr7:80,671,030, A>G. VCF-style: chr7-80671030-A-G. GRCh37 (hg19) VCF-style: chr7-80300346-A-G.
Other names: c.872A>G, p.Tyr291Cys (NM_000072.3, NM_001001547.3, NM_001127443.2 and 5 more transcripts); c.755A>G, p.Tyr252Cys (NM_001289908.1); c.692A>G, p.Tyr231Cys (NM_001289909.1); c.644A>G, p.Tyr215Cys (NM_001289911.2); c.770A>G, p.Tyr257Cys (NM_001371079.1); c.407A>G, p.Tyr136Cys (NM_001371080.1, NM_001371081.1); short protein forms Y252C, Y291C, Y215C, Y231C, Y257C, Y136C.
Identifiers: ClinVar variation 908991 (VCV000908991.6), dbSNP rs200752989, ClinGen allele CA4315475.